The following is an entry in ClinVar:

ClinVar aggregate classification (germline): Uncertain significance (1 of 4 stars; one submission).

Conditions:
Inborn genetic diseases. Identifiers: MedGen C0950123, MeSH D030342.

Submission:

Ambry Genetics
Classification: Uncertain significance for Inborn genetic diseases. Last evaluated: 2025-02-01. Review status: criteria provided, single submitter. Criteria: Ambry Variant Classification Scheme 2023. Collection method: clinical testing. Allele origin: germline.
Comment: The p.E1483K variant (also known as c.4447G>A), located in coding exon 30 of the ANKRD26 gene, results from a G to A substitution at nucleotide position 4447. The glutamic acid at codon 1483 is replaced by lysine, an amino acid with similar properties. This amino acid position is conserved. In addition, this alteration is predicted to be tolerated by in silico analysis. Based on the available evidence, the clinical significance of this variant remains unclear.

NM_014915.3(ANKRD26):c.4447G>A (p.Glu1483Lys)

Gene: ANKRD26 (ankyrin repeat domain containing 26; minus strand). Cytogenetic location: 10p12.1.
Variant type: single nucleotide variant.
Coding change: c.4447G>A on transcript NM_014915.3 (MANE Select); coding-DNA position 4447, G replaced by A.
Protein change: p.Glu1483Lys; replaces glutamic acid 1483 with lysine.
Molecular consequence: missense variant.
Genome position (GRCh38, 1-based): chr10:27,017,561, C>T on the plus strand (G>A on the coding strand, the complement: ANKRD26 is on the minus strand). VCF-style: chr10-27017561-C-T. GRCh37 (hg19) VCF-style: chr10-27306490-C-T.
Other names: c.4444G>A, p.Glu1482Lys (NM_001256053.2); short protein forms E1483K, E1482K.
Identifiers: ClinVar variation 3870887 (VCV003870887.1).
Genomic context (GRCh38, chr10:27,017,561, plus strand): 5'-CCTGTAAAAATAGATTGACTTCTTTTAATTTTTCTGCTATTTCCTGTCTTGCTCTTTCTT[C>T]AATCTCCTGTTTATACTGTTTGACTTGACCAAGTTCTACCATATTCCTTTCTATATGACT-3'
Protein context (NP_055730.2, residues 1473-1493): GQVKQYKQEI[Glu1483Lys]ERARQEIAEK